The following is an entry in ClinVar:

ClinVar aggregate classification (germline): Uncertain significance. Review status: criteria provided, multiple submitters, no conflicts (2 of 4 stars). 2 submissions from 2 submitters: Uncertain significance (2). Last evaluated 2021-12-22.

Conditions:
Hereditary cancer-predisposing syndrome. Also called: Hereditary Cancer Syndrome; Hereditary neoplastic syndrome; Tumor predisposition; Neoplastic Syndromes, Hereditary. Identifiers: Orphanet 140162, MedGen C0027672, MeSH D009386, MONDO:0015356.
Hereditary nonpolyposis colorectal neoplasms. Identifiers: MedGen C0009405, MeSH D003123.

gnomAD v4.1: 1 of 1,612,960 alleles (0.000062%); highest among the groups gnomAD compares: Non-Finnish European, 0.000085%; no homozygotes.

Submissions (2):

Ambry Genetics
Classification: Uncertain significance for Hereditary cancer-predisposing syndrome. Last evaluated: 2021-12-22. Review status: criteria provided, single submitter. Criteria: Ambry Variant Classification Scheme 2023. Collection method: clinical testing. Allele origin: germline.
Comment: The p.N836K variant (also known as c.2508C>G), located in coding exon 4 of the MSH6 gene, results from a C to G substitution at nucleotide position 2508. The asparagine at codon 836 is replaced by lysine, an amino acid with similar properties. This amino acid position is not well conserved in available vertebrate species. In addition, this alteration is predicted to be tolerated by in silico analysis. Since supporting evidence is limited at this time, the clinical significance of this alteration remains unclear.

Labcorp Genetics (formerly Invitae), Labcorp
Classification: Uncertain significance for Hereditary nonpolyposis colorectal neoplasms. Last evaluated: 2021-12-21. Review status: criteria provided, single submitter. Criteria: Invitae Variant Classification Sherloc (09022015). Collection method: clinical testing. Allele origin: germline.
Comment: In summary, the available evidence is currently insufficient to determine the role of this variant in disease. Therefore, it has been classified as a Variant of Uncertain Significance. Advanced modeling of protein sequence and biophysical properties (such as structural, functional, and spatial information, amino acid conservation, physicochemical variation, residue mobility, and thermodynamic stability) performed at Invitae indicates that this missense variant is not expected to disrupt MSH6 protein function. This variant has not been reported in the literature in individuals affected with MSH6-related conditions. This variant is not present in population databases (gnomAD no frequency). This sequence change replaces asparagine, which is neutral and polar, with lysine, which is basic and polar, at codon 836 of the MSH6 protein (p.Asn836Lys).

NM_000179.3(MSH6):c.2508C>G (p.Asn836Lys)

Gene: MSH6 (mutS homolog 6; plus strand). Cytogenetic location: 2p16.3.
Variant type: single nucleotide variant.
Coding change: c.2508C>G on transcript NM_000179.3 (MANE Select); coding-DNA position 2508, C replaced by G.
Protein change: p.Asn836Lys; replaces asparagine 836 with lysine.
Molecular consequence: missense variant.
Genome position (GRCh38, 1-based): chr2:47,800,491, C>G. VCF-style: chr2-47800491-C-G. GRCh37 (hg19) VCF-style: chr2-48027630-C-G.
Other names: c.2118C>G, p.Asn706Lys (NM_001281492.2); c.1602C>G, p.Asn534Lys (NM_001281493.2, NM_001281494.2, NM_001406811.1 and 6 more transcripts); c.2604C>G, p.Asn868Lys (NM_001406795.1, NM_001406802.1); c.2508C>G, p.Asn836Lys (NM_001406796.1, NM_001406798.1, NM_001406800.1 and 2 more transcripts); c.2211C>G, p.Asn737Lys (NM_001406797.1, NM_001406801.1, NM_001406805.1 and 10 more transcripts); c.1983C>G, p.Asn661Lys (NM_001406799.1, NM_001406806.1, NM_001406807.1); c.2430C>G, p.Asn810Lys (NM_001406804.1); c.2514C>G, p.Asn838Lys (NM_001406813.1); and 1 more; short protein forms N836K, N661K, N780K, N868K, N706K, N838K, N534K, N737K.
Identifiers: ClinVar variation 1792339 (VCV001792339.7), dbSNP rs758170249, ClinGen allele CA346754285.